The following is an entry in ClinVar:

NM_000417.3(IL2RA):c.326T>C (p.Met109Thr)

Gene: IL2RA (interleukin 2 receptor subunit alpha; minus strand). Cytogenetic location: 10p15.1.
Variant type: single nucleotide variant.
Coding change: c.326T>C on transcript NM_000417.3 (MANE Select); coding-DNA position 326, T replaced by C.
Protein change: p.Met109Thr; replaces methionine 109 with threonine.
Molecular consequence: missense variant.
Genome position (GRCh38, 1-based): chr10:6,024,285, A>G on the plus strand (T>C on the coding strand, the complement: IL2RA is on the minus strand). VCF-style: chr10-6024285-A-G. GRCh37 (hg19) VCF-style: chr10-6066248-A-G.
Other names: c.326T>C, p.Met109Thr (NM_001308242.2, NM_001308243.2); short protein forms M109T.
Identifiers: ClinVar variation 3631477 (VCV003631477.2).

ClinVar aggregate classification (germline): Uncertain significance (1 of 4 stars; one submission).

Conditions:
Immunodeficiency due to CD25 deficiency. Also called: CD25 DEFICIENCY; IL2RA DEFICIENCY; IMMUNODEFICIENCY 41 WITH LYMPHOPROLIFERATION AND AUTOIMMUNITY. Identifiers: Orphanet 169100, MedGen C1853392, MONDO:0011664, OMIM 606367.

Submission:

Labcorp Genetics (formerly Invitae), Labcorp
Classification: Uncertain significance for Immunodeficiency due to CD25 deficiency. Last evaluated: 2025-01-27. Review status: criteria provided, single submitter. Criteria: Invitae Variant Classification Sherloc (09022015). Collection method: clinical testing. Allele origin: germline.
Comment: This sequence change replaces methionine, which is neutral and non-polar, with threonine, which is neutral and polar, at codon 109 of the IL2RA protein (p.Met109Thr). This variant is present in population databases (no rsID available, gnomAD 0.003%). This variant has not been reported in the literature in individuals affected with IL2RA-related conditions. Invitae Evidence Modeling of protein sequence and biophysical properties (such as structural, functional, and spatial information, amino acid conservation, physicochemical variation, residue mobility, and thermodynamic stability) indicates that this missense variant is not expected to disrupt IL2RA protein function with a negative predictive value of 80%. In summary, the available evidence is currently insufficient to determine the role of this variant in disease. Therefore, it has been classified as a Variant of Uncertain Significance.